The following is an entry in ClinVar:

ClinVar aggregate classification (germline): Uncertain significance (1 of 4 stars; one submission).

Conditions:
Long QT syndrome (LQTS). Identifiers: MedGen C0023976, MeSH D008133, MONDO:0002442. Disease mechanism: loss of function. Inheritance: Various modes of inheritance.

gnomAD v4.1: 4 of 1,614,148 alleles (0.00025%); highest among the groups gnomAD compares: Non-Finnish European, 0.00034%; no homozygotes.

Submission:

Labcorp Genetics (formerly Invitae), Labcorp
Classification: Uncertain significance for Long QT syndrome. Last evaluated: 2024-10-30. Review status: criteria provided, single submitter. Criteria: Invitae Variant Classification Sherloc (09022015). Collection method: clinical testing. Allele origin: germline.
Comment: This sequence change replaces glutamine, which is neutral and polar, with histidine, which is basic and polar, at codon 3031 of the AKAP9 protein (p.Gln3031His). This variant is present in population databases (rs776011305, gnomAD 0.0009%). This variant has not been reported in the literature in individuals affected with AKAP9-related conditions. An algorithm developed to predict the effect of missense changes on protein structure and function (PolyPhen-2) suggests that this variant is likely to be disruptive. In summary, the available evidence is currently insufficient to determine the role of this variant in disease. Therefore, it has been classified as a Variant of Uncertain Significance.

NM_005751.5(AKAP9):c.9093A>T (p.Gln3031His)

Gene: AKAP9 (A-kinase anchoring protein 9; plus strand). Cytogenetic location: 7q21.2.
Variant type: single nucleotide variant.
Coding change: c.9093A>T on transcript NM_005751.5 (MANE Select); coding-DNA position 9093, A replaced by T.
Protein change: p.Gln3031His; replaces glutamine 3031 with histidine.
Molecular consequence: missense variant.
Genome position (GRCh38, 1-based): chr7:92,086,296, A>T. VCF-style: chr7-92086296-A-T. GRCh37 (hg19) VCF-style: chr7-91715610-A-T.
Other names: c.3738A>T, p.Gln1246His (NM_001379277.1); c.9069A>T, p.Gln3023His (NM_147185.3); short protein forms Q1246H, Q3031H, Q3023H.
Identifiers: ClinVar variation 3669816 (VCV003669816.2).
Genomic context (GRCh38, chr7:92,086,296, plus strand): 5'-TAGTTCTCAATCTCATGAGAGCTTCTCAGACTGGCGAGGTGAACTACTGCTTGCCCTTCA[A>T]CAAGTTTTCTTAGAAGAGCGTAGTGTTTTACTAGCAGCATTTCGGACGGAGCTGACAGCT-3'
Protein context (NP_005742.4, residues 3021-3041): DWRGELLLAL[Gln3031His]QVFLEERSVL